The following is an entry in ClinVar:

ClinVar aggregate classification (germline): Uncertain significance. Review status: criteria provided, multiple submitters, no conflicts (2 of 4 stars). 2 submissions from 2 submitters: Uncertain significance (2). Last evaluated 2025-11-06.

Allele frequency attached by ClinVar (database versions not stated): gnomAD exomes below 0.00001.
gnomAD v4.1: 5 of 1,542,152 alleles (0.00032%); highest among the groups gnomAD compares: Non-Finnish European, 0.00045%; no homozygotes.

Submissions (2):

Ambry Genetics
Classification: Uncertain significance. Last evaluated: 2025-11-06. Review status: criteria provided, single submitter. Criteria: Ambry Variant Classification Scheme 2023. Collection method: clinical testing. Allele origin: germline.

Labcorp Genetics (formerly Invitae), Labcorp
Classification: Uncertain significance. Last evaluated: 2023-11-24. Review status: criteria provided, single submitter. Criteria: Invitae Variant Classification Sherloc (09022015). Collection method: clinical testing. Allele origin: germline.
Comment: This sequence change replaces aspartic acid, which is acidic and polar, with glutamic acid, which is acidic and polar, at codon 406 of the MMP13 protein (p.Asp406Glu). This variant is not present in population databases (gnomAD no frequency). This variant has not been reported in the literature in individuals affected with MMP13-related conditions. Advanced modeling of protein sequence and biophysical properties (such as structural, functional, and spatial information, amino acid conservation, physicochemical variation, residue mobility, and thermodynamic stability) has been performed at Invitae for this missense variant, however the output from this modeling did not meet the statistical confidence thresholds required to predict the impact of this variant on MMP13 protein function. In summary, the available evidence is currently insufficient to determine the role of this variant in disease. Therefore, it has been classified as a Variant of Uncertain Significance.

NM_002427.4(MMP13):c.1218T>A (p.Asp406Glu)

Gene: MMP13 (matrix metallopeptidase 13; minus strand). Cytogenetic location: 11q22.2.
Variant type: single nucleotide variant.
Coding change: c.1218T>A on transcript NM_002427.4 (MANE Select); coding-DNA position 1218, T replaced by A.
Protein change: p.Asp406Glu; replaces aspartic acid 406 with glutamic acid.
Molecular consequence: missense variant.
Genome position (GRCh38, 1-based): chr11:102,945,743, A>T on the plus strand (T>A on the coding strand, the complement: MMP13 is on the minus strand). VCF-style: chr11-102945743-A-T. GRCh37 (hg19) VCF-style: chr11-102816472-A-T.
Other names: c.1218T>A (NM_002427.3); short protein forms D406E.
Identifiers: ClinVar variation 3016452 (VCV003016452.4), dbSNP rs2496447504, ClinGen allele CA382226368.
Genomic context (GRCh38, chr11:102,945,743, plus strand): 5'-TCCTGGGAAGTCTTCTTCTATTAGTCTCGGATAGTCTTTATCCATAATATGGTTAGTATC[A>T]TCATATCTATTTAAAGAAAAAAAACTCCTAAGTCAGTTATATTTCTTAGAAAGTACCTTA-3'
Protein context (NP_002418.1, residues 396-416): LFSGNQVWRY[Asp406Glu]DTNHIMDKDY